The following is an entry in ClinVar:

ClinVar aggregate classification (germline): Uncertain significance (1 of 4 stars; one submission).

Conditions:
Hereditary cancer-predisposing syndrome. Also called: Neoplastic Syndromes, Hereditary; Tumor predisposition; Hereditary Cancer Syndrome; Hereditary neoplastic syndrome. Identifiers: Orphanet 140162, MedGen C0027672, MeSH D009386, MONDO:0015356.

Submission:

Ambry Genetics
Classification: Uncertain significance for Hereditary cancer-predisposing syndrome. Last evaluated: 2017-10-26. Review status: criteria provided, single submitter. Criteria: Ambry Variant Classification Scheme 2023. Collection method: clinical testing. Allele origin: germline.
Comment: The p.A1341D variant (also known as c.4022C>A), located in coding exon 20 of the BLM gene, results from a C to A substitution at nucleotide position 4022. The alanine at codon 1341 is replaced by aspartic acid, an amino acid with dissimilar properties. This amino acid position is not well conserved in available vertebrate species. In addition, this alteration is predicted to be tolerated by in silico analysis. Since supporting evidence is limited at this time, the clinical significance of this alteration remains unclear.

NM_000057.4(BLM):c.4022C>A (p.Ala1341Asp)

Gene: BLM (BLM RecQ like helicase; plus strand). Cytogenetic location: 15q26.1.
Variant type: single nucleotide variant.
Coding change: c.4022C>A on transcript NM_000057.4 (MANE Select); coding-DNA position 4022, C replaced by A.
Protein change: p.Ala1341Asp; replaces alanine 1341 with aspartic acid.
Molecular consequence: missense variant.
Genome position (GRCh38, 1-based): chr15:90,811,352, C>A. VCF-style: chr15-90811352-C-A. GRCh37 (hg19) VCF-style: chr15-91354582-C-A.
Other names: c.4022C>A, p.Ala1341Asp (NM_001287246.2); c.3629C>A, p.Ala1210Asp (NM_001287247.2); c.2897C>A, p.Ala966Asp (NM_001287248.2); short protein forms A1210D, A1341D, A966D.
Identifiers: ClinVar variation 1737125 (VCV001737125.2), dbSNP rs201149857, ClinGen allele CA393851308.